The following is an entry in ClinVar:

ClinVar aggregate classification (germline): Uncertain significance. Review status: criteria provided, multiple submitters, no conflicts (2 of 4 stars). 2 submissions from 2 submitters: Uncertain significance (2). Last evaluated 2025-04-25.

Conditions:
Hereditary cancer-predisposing syndrome. Also called: Tumor predisposition; Hereditary neoplastic syndrome; Neoplastic Syndromes, Hereditary; Hereditary Cancer Syndrome. Identifiers: Orphanet 140162, MedGen C0027672, MeSH D009386, MONDO:0015356.
EGFR-related lung cancer (EGFR). Identifiers: MedGen CN130014.

gnomAD v4.1: 6 of 1,613,336 alleles (0.00037%); highest among the groups gnomAD compares: South Asian, 0.0022%; no homozygotes.

Submissions (2):

Ambry Genetics
Classification: Uncertain significance for Hereditary cancer-predisposing syndrome. Last evaluated: 2025-04-25. Review status: criteria provided, single submitter. Criteria: Ambry Variant Classification Scheme 2023. Collection method: clinical testing. Allele origin: germline.
Comment: The p.A1076T variant (also known as c.3226G>A), located in coding exon 27 of the EGFR gene, results from a G to A substitution at nucleotide position 3226. The alanine at codon 1076 is replaced by threonine, an amino acid with similar properties. This amino acid position is conserved. In addition, this alteration is predicted to be tolerated by in silico analysis. Based on the available evidence, the clinical significance of this variant remains unclear.

Labcorp Genetics (formerly Invitae), Labcorp
Classification: Uncertain significance for EGFR-related lung cancer. Last evaluated: 2024-06-18. Review status: criteria provided, single submitter. Criteria: Invitae Variant Classification Sherloc (09022015). Collection method: clinical testing. Allele origin: germline.
Comment: This sequence change replaces alanine, which is neutral and non-polar, with threonine, which is neutral and polar, at codon 1076 of the EGFR protein (p.Ala1076Thr). This variant is present in population databases (rs764780987, gnomAD 0.0009%). This variant has not been reported in the literature in individuals affected with EGFR-related conditions. ClinVar contains an entry for this variant (Variation ID: 1494591). Algorithms developed to predict the effect of missense changes on protein structure and function output the following: SIFT: "Not Available"; PolyPhen-2: "Benign"; Align-GVGD: "Not Available". The threonine amino acid residue is found in multiple mammalian species, which suggests that this missense change does not adversely affect protein function. In summary, the available evidence is currently insufficient to determine the role of this variant in disease. Therefore, it has been classified as a Variant of Uncertain Significance.

NM_005228.5(EGFR):c.3226G>A (p.Ala1076Thr)

Gene: EGFR (epidermal growth factor receptor; plus strand). Cytogenetic location: 7p11.2.
Variant type: single nucleotide variant.
Coding change: c.3226G>A on transcript NM_005228.5 (MANE Select); coding-DNA position 3226, G replaced by A.
Protein change: p.Ala1076Thr; replaces alanine 1076 with threonine.
Molecular consequence: missense variant.
Genome position (GRCh38, 1-based): chr7:55,202,580, G>A. VCF-style: chr7-55202580-G-A. GRCh37 (hg19) VCF-style: chr7-55270273-G-A.
Other names: c.3226G>A (NM_005228.3); c.3091G>A, p.Ala1031Thr (NM_001346897.2, NM_001346899.2); c.3226G>A, p.Ala1076Thr (NM_001346898.2); c.3067G>A, p.Ala1023Thr (NM_001346900.2); c.2425G>A, p.Ala809Thr (NM_001346941.2); short protein forms A1023T, A1031T, A809T, A1076T.
Identifiers: ClinVar variation 1494591 (VCV001494591.8), dbSNP rs764780987, ClinGen allele CA4266326.